The following is an entry in ClinVar:

ClinVar aggregate classification (germline): Likely benign (1 of 4 stars; one submission).

Conditions:
SLC12A3-related disorder. Also called: SLC12A3-related condition.

Submission:

PreventionGenetics, part of Exact Sciences
Classification: Likely benign for SLC12A3-related condition. Last evaluated: 2025-02-03. Review status: criteria provided, single submitter. Criteria: ACMG Guidelines, 2015. Collection method: clinical testing. Allele origin: germline.
Comment: This variant is classified as likely benign based on ACMG/AMP sequence variant interpretation guidelines (Richards et al. 2015 PMID: 25741868, with internal and published modifications).

NM_001126108.2(SLC12A3):c.1096-56TCCCTCCCTCCCTCTCTCCCTCCC[3]

Gene: SLC12A3 (solute carrier family 12 member 3; plus strand). Cytogenetic location: 16q13.
Variant type: Microsatellite.
Coding change: c.1096-56TCCCTCCCTCCCTCTCTCCCTCCC[3] on transcript NM_001126108.2 (MANE Select); three copies in a row of the 24-base unit TCCCTCCCTCCCTCTCTCCCTCCC starting at c.1096-56.
Molecular consequence: intron variant.
Genome position: GRCh38 VCF-style: chr16-56878020-G-GTCCCTCCCTCCCTCTCTCCCTCCC. GRCh37 (hg19) VCF-style: chr16-56911932-G-GTCCCTCCCTCCCTCTCTCCCTCCC.
Other names: c.1096-56TCCCTCCCTCCCTCTCTCCCTCCC[3] (NM_000339.3); c.1093-56TCCCTCCCTCCCTCTCTCCCTCCC[3] (NM_001126107.2, NM_001410896.1).
Identifiers: ClinVar variation 4986844 (VCV004986844.1).